The following is an entry in ClinVar:

ClinVar aggregate classification (germline): Likely pathogenic (1 of 4 stars; one submission).

Conditions:
Arrhythmogenic right ventricular dysplasia 11. Also called: ARRHYTHMOGENIC RIGHT VENTRICULAR DYSPLASIA, FAMILIAL, 11; Arrhythmogenic Right Ventricular Dysplasia/Cardiomyopathy11; Arrhythmogenic right ventricular dysplasia 11 with mild palmoplantar keratoderma and woolly hair. Identifiers: MedGen C1864850, MONDO:0012506, OMIM 610476.

Submission:

Kasturba Medical College, Manipal, Kasturba Medical College, Manipal, Manipal Academy of Higher Education, Manipal, India
Classification: Likely pathogenic for Arrhythmogenic right ventricular dysplasia 11. Last evaluated: 2025-12-31. Review status: criteria provided, single submitter. Criteria: ACMG Guidelines, 2015. Collection method: research. Allele origin: germline. Inheritance: Autosomal recessive inheritance. Affected: yes.
Comment: The variant c.439_457del was not reported in gnomAD (V4.1.0) population database and in our in-house data of 3942 exomes. This 19 base pair deletion likely causes shift in the reading frame of the transcript and introduces a premature termination codon, which may either result in a truncated protein or trigger nonsense-mediated mRNA decay. The clinical findings observed in the proband are in concordance with arrhythmogenic right ventricular dysplasia 11.

NM_024422.6(DSC2):c.439_457del (p.Asn147fs)

Gene: DSC2 (desmocollin 2; minus strand). Cytogenetic location: 18q12.1.
Variant type: Deletion.
Coding change: c.439_457del on transcript NM_024422.6 (MANE Select); coding-DNA positions 439 to 457, 19 bases deleted (AACTCCTTGGGTCCTTTTC).
Protein change: p.Asn147fs; shifts the reading frame from asparagine 147.
Molecular consequence: frameshift variant.
Genome position (GRCh38, 1-based): chr18:31,091,045-31,091,063, GAAAAGGACCCAAGGAGTT deleted on the plus strand (AACTCCTTGGGTCCTTTTC on the coding strand, the reverse complement: DSC2 is on the minus strand). VCF-style (leftmost placement, unchanged base first): chr18-31091044-GGAAAAGGACCCAAGGAGTT-G. GRCh37 (hg19) VCF-style: chr18-28671007-GGAAAAGGACCCAAGGAGTT-G.
Other names: c.10_28del, p.Asn4fs (NM_001406506.1, NM_001406507.1); c.439_457del, p.Asn147fs (NM_004949.5); short protein forms N147fs, N4fs.
Identifiers: ClinVar variation 4681186 (VCV004681186.1).